The following is an entry in ClinVar:

ClinVar aggregate classification (somatic clinical impact): Tier II - Potential (1 of 4 stars; one submission).

Conditions:
Leukemia. Identifiers: MedGen C0023418, MeSH D007938, MONDO:0005059, HP:0001909.

gnomAD v4.1: 1 of 1,613,760 alleles (0.000062%); highest among the groups gnomAD compares: Non-Finnish European, 0.000085%; no homozygotes.

Submission:

Clinical Genetics Laboratory, Hai Phong University of Medicine and Pharmacy
Classification: Tier II - Potential for Leukemia. Assertion type: diagnostic. Clinical significance: supports diagnosis. Last evaluated: 2026-05-02. Review status: criteria provided, single submitter. Criteria: AMP/ASCO/CAP Guidelines, 2017. Collection method: research. Allele origin: somatic. Affected: yes.
Comment: Classification rationale per AMP/ASCO/CAP 2017 Guidelines (PMID:27993330): Tier II - Variant of Potential Clinical Significance. Variant: NM_000534.5:c.1493G>A (p.Trp498*) in PMS1, a single-nucleotide substitution producing a premature stop codon (nonsense / stop_gained, HIGH predicted impact). The truncated transcript is a candidate for nonsense-mediated decay and the predicted protein lacks the C-terminal MutL-homology and MLH1-interaction domains, supporting loss of function. PMS1 encodes a DNA mismatch repair (MMR) protein that interacts with MLH1; biallelic or functional loss of MMR genes (including PMS1) is mechanistically linked to mismatch repair deficiency, microsatellite instability, and an elevated mutational burden, all features associated with myeloid neoplasms including chronic myelomonocytic leukemia (CMML). Population data: variant is absent from gnomAD population databases, consistent with a rare/somatic event. Computational evidence: in-silico predictors (e.g., MutationTaster, LOFTEE) classify the variant as deleterious / high-confidence loss-of-function. Evidence level: Level D (preclinical/limited case-level evidence) - the variant contributes to the loss-of-function spectrum of MMR alterations described in myeloid malignancies and supports a diagnostic role in this CMML case. No FDA-approved targeted therapy is currently associated with this specific variant; however, MMR-deficient tumors are of broader clinical interest for immune-checkpoint therapy in solid tumors. Classification of Tier II - diagnostic: supports diagnosis is assigned because PMS1 loss-of-function has plausible biological relevance to the CMML phenotype, while direct clinical-actionability evidence in CMML remains limited.

NM_000534.5(PMS1):c.1493G>A (p.Trp498Ter)

Gene: PMS1 (PMS1 homolog 1, mismatch repair system component; plus strand). Cytogenetic location: 2q32.2.
Variant type: single nucleotide variant.
Coding change: c.1493G>A on transcript NM_000534.5 (MANE Select); coding-DNA position 1493, G replaced by A.
Protein change: p.Trp498Ter; replaces tryptophan 498 with a stop codon.
Molecular consequence: nonsense. On other transcripts: non-coding transcript variant (1).
Genome position (GRCh38, 1-based): chr2:189,854,765, G>A. VCF-style: chr2-189854765-G-A. GRCh37 (hg19) VCF-style: chr2-190719491-G-A.
Other names: c.1376G>A, p.Trp459Ter (NM_001128143.2, NM_001321044.2); c.1493G>A, p.Trp498Ter (NM_001128144.2, NM_001321045.2, NM_001321047.2 and 1 more transcripts); c.965G>A, p.Trp322Ter (NM_001289408.2, NM_001289409.2); c.1310G>A, p.Trp437Ter (NM_001321046.2); short protein forms W322*, W437*, W459*, W498*.
Identifiers: ClinVar variation 4857726 (VCV004857726.1).